The following is an entry in ClinVar:

NM_024656.4(COLGALT1):c.845T>A (p.Val282Glu)

Gene: COLGALT1 (collagen beta(1-O)galactosyltransferase 1; plus strand). Cytogenetic location: 19p13.11.
Variant type: single nucleotide variant.
Coding change: c.845T>A on transcript NM_024656.4 (MANE Select); coding-DNA position 845, T replaced by A.
Protein change: p.Val282Glu; replaces valine 282 with glutamic acid.
Molecular consequence: missense variant.
Genome position (GRCh38, 1-based): chr19:17,572,498, T>A. VCF-style: chr19-17572498-T-A. GRCh37 (hg19) VCF-style: chr19-17683307-T-A.
Other names: c.845T>A (NM_024656.2); short protein forms V282E.
Identifiers: ClinVar variation 2181863 (VCV002181863.5), dbSNP rs761898210, ClinGen allele CA9297065.

ClinVar aggregate classification (germline): Uncertain significance. Review status: criteria provided, multiple submitters, no conflicts (2 of 4 stars). 2 submissions from 2 submitters: Uncertain significance (2). Last evaluated 2024-12-03.

Conditions:
Inborn genetic diseases. Identifiers: MedGen C0950123, MeSH D030342.

Allele frequency attached by ClinVar (database versions not stated): gnomAD 0.00001; gnomAD exomes 0.00001; ExAC 0.00002; TOPMed 0.00002.
gnomAD v4.1: 6 of 1,614,004 alleles (0.00037%); highest among the groups gnomAD compares: Admixed American, 0.01%; no homozygotes.

Submissions (2):

Ambry Genetics
Classification: Uncertain significance for Inborn genetic diseases. Last evaluated: 2024-12-03. Review status: criteria provided, single submitter. Criteria: Ambry Variant Classification Scheme 2023. Collection method: clinical testing. Allele origin: germline.

Labcorp Genetics (formerly Invitae), Labcorp
Classification: Uncertain significance. Last evaluated: 2022-07-29. Review status: criteria provided, single submitter. Criteria: Invitae Variant Classification Sherloc (09022015). Collection method: clinical testing. Allele origin: germline.
Comment: This sequence change replaces valine, which is neutral and non-polar, with glutamic acid, which is acidic and polar, at codon 282 of the COLGALT1 protein (p.Val282Glu). This variant is present in population databases (rs761898210, gnomAD 0.01%). This variant has not been reported in the literature in individuals affected with COLGALT1-related conditions. Algorithms developed to predict the effect of missense changes on protein structure and function are either unavailable or do not agree on the potential impact of this missense change (SIFT: "Not Available"; PolyPhen-2: "Possibly Damaging"; Align-GVGD: "Not Available"). In summary, the available evidence is currently insufficient to determine the role of this variant in disease. Therefore, it has been classified as a Variant of Uncertain Significance.